The following is an entry in ClinVar:

NM_001330677.2(TBX15):c.623C>A (p.Thr208Asn)

Gene: TBX15 (T-box transcription factor 15; minus strand). Cytogenetic location: 1p12.
Variant type: single nucleotide variant.
Coding change: c.623C>A on transcript NM_001330677.2 (MANE Select); coding-DNA position 623, C replaced by A.
Protein change: p.Thr208Asn; replaces threonine 208 with asparagine.
Molecular consequence: missense variant.
Genome position (GRCh38, 1-based): chr1:118,924,716, G>T on the plus strand (C>A on the coding strand, the complement: TBX15 is on the minus strand). VCF-style: chr1-118924716-G-T. GRCh37 (hg19) VCF-style: chr1-119467339-G-T.
Other names: c.305C>A, p.Thr102Asn (NM_152380.3); short protein forms T208N, T102N.
Identifiers: ClinVar variation 2087727 (VCV002087727.4), dbSNP rs2526129756, ClinGen allele CA341434597.

ClinVar aggregate classification (germline): Uncertain significance (1 of 4 stars; one submission).

Submission:

Labcorp Genetics (formerly Invitae), Labcorp
Classification: Uncertain significance. Last evaluated: 2022-09-01. Review status: criteria provided, single submitter. Criteria: Invitae Variant Classification Sherloc (09022015). Collection method: clinical testing. Allele origin: germline.
Comment: This sequence change replaces threonine, which is neutral and polar, with asparagine, which is neutral and polar, at codon 102 of the TBX15 protein (p.Thr102Asn). This variant is not present in population databases (gnomAD no frequency). This variant has not been reported in the literature in individuals affected with TBX15-related conditions. Algorithms developed to predict the effect of missense changes on protein structure and function are either unavailable or do not agree on the potential impact of this missense change (SIFT: "Tolerated"; PolyPhen-2: "Possibly Damaging"; Align-GVGD: "Class C0"). In summary, the available evidence is currently insufficient to determine the role of this variant in disease. Therefore, it has been classified as a Variant of Uncertain Significance.